The following is an entry in ClinVar:

ClinVar aggregate classification (germline): Uncertain significance (1 of 4 stars; one submission).

Submission:

Labcorp Genetics (formerly Invitae), Labcorp
Classification: Uncertain significance. Last evaluated: 2025-02-09. Review status: criteria provided, single submitter. Criteria: Invitae Variant Classification Sherloc (09022015). Collection method: clinical testing. Allele origin: germline.
Comment: This sequence change replaces proline, which is neutral and non-polar, with serine, which is neutral and polar, at codon 19 of the DHX32 protein (p.Pro19Ser). This variant is not present in population databases (gnomAD no frequency). This variant has not been reported in the literature in individuals affected with DHX32-related conditions. ClinVar contains an entry for this variant (Variation ID: 2034777). An algorithm developed to predict the effect of missense changes on protein structure and function (PolyPhen-2) suggests that this variant is likely to be tolerated. In summary, the available evidence is currently insufficient to determine the role of this variant in disease. Therefore, it has been classified as a Variant of Uncertain Significance.

NM_018180.3(DHX32):c.55C>T (p.Pro19Ser)

Gene: DHX32 (DEAH-box helicase 32 (putative); minus strand). Cytogenetic location: 10q26.2.
Variant type: single nucleotide variant.
Coding change: c.55C>T on transcript NM_018180.3 (MANE Select); coding-DNA position 55, C replaced by T.
Protein change: p.Pro19Ser; replaces proline 19 with serine.
Molecular consequence: missense variant.
Genome position (GRCh38, 1-based): chr10:125,880,770, G>A on the plus strand (C>T on the coding strand, the complement: DHX32 is on the minus strand). VCF-style: chr10-125880770-G-A. GRCh37 (hg19) VCF-style: chr10-127569339-G-A.
Other names: short protein forms P19S.
Identifiers: ClinVar variation 2034777 (VCV002034777.4), dbSNP rs2494475818, ClinGen allele CA378669735.